The following is an entry in ClinVar:

NM_020320.5(RARS2):c.878+17A>G

Gene: RARS2 (arginyl-tRNA synthetase 2, mitochondrial; minus strand). Cytogenetic location: 6q15.
Variant type: single nucleotide variant.
Coding change: c.878+17A>G on transcript NM_020320.5 (MANE Select); 17 bases into the intron after coding-DNA position 878, A replaced by G.
Molecular consequence: intron variant.
Genome position (GRCh38, 1-based): chr6:87,529,525, T>C on the plus strand (A>G on the coding strand, the complement: RARS2 is on the minus strand). VCF-style: chr6-87529525-T-C. GRCh37 (hg19) VCF-style: chr6-88239243-T-C.
Other names: c.878+17A>G (NM_001350505.2); c.353+17A>G (NM_001350509.2, NM_001318785.2, NM_001350506.2 and 4 more transcripts).
Identifiers: ClinVar variation 138894 (VCV000138894.10), dbSNP rs201214613, ClinGen allele CA293071.

ClinVar aggregate classification (germline): Benign/Likely benign. Review status: criteria provided, multiple submitters, no conflicts (2 of 4 stars). 3 submissions from 3 submitters: Benign (2); Likely benign (1). Last evaluated 2026-01-28.

Allele frequency attached by ClinVar (database versions not stated): 1000 Genomes Project 0.00040; 1000 Genomes Project 30x 0.00047; gnomAD exomes 0.00082; ExAC 0.00085; gnomAD 0.00086; TOPMed 0.00088; ESP Exome Variant Server 0.00146.
gnomAD v4.1: 1,790 of 1,413,574 alleles (0.13%); highest among the groups gnomAD compares: Non-Finnish European, 0.16%; 5 homozygotes.

Submissions (3):

Labcorp Genetics (formerly Invitae), Labcorp
Classification: Benign. Last evaluated: 2026-01-28. Review status: criteria provided, single submitter. Criteria: Invitae Variant Classification Sherloc (09022015). Collection method: clinical testing. Allele origin: germline.

Blueprint Genetics
Classification: Likely benign. Last evaluated: 2024-11-23. Review status: criteria provided, single submitter. Criteria: ACMG Guidelines, 2015. Collection method: clinical testing. Allele origin: germline.

GeneDx
Classification: Benign. Last evaluated: 2013-01-11. Review status: criteria provided, single submitter. Criteria: GeneDx Variant Classification (06012015). Collection method: clinical testing. Allele origin: germline. Affected: yes.
Comment: This variant is considered likely benign or benign based on one or more of the following criteria: it is a conservative change, it occurs at a poorly conserved position in the protein, it is predicted to be benign by multiple in silico algorithms, and/or has population frequency not consistent with disease.